The following is an entry in ClinVar:

NM_001243133.2(NLRP3):c.2299G>A (p.Gly767Ser)

Gene: NLRP3 (NLR family pyrin domain containing 3; plus strand). Cytogenetic location: 1q44.
Variant type: single nucleotide variant.
Coding change: c.2299G>A on transcript NM_001243133.2 (MANE Select); coding-DNA position 2299, G replaced by A.
Protein change: p.Gly767Ser; replaces glycine 767 with serine.
Molecular consequence: missense variant. On other transcripts: intron variant (2).
Genome position (GRCh38, 1-based): chr1:247,429,733, G>A. VCF-style: chr1-247429733-G-A. GRCh37 (hg19) VCF-style: chr1-247593035-G-A.
Other names: c.2299G>A, p.Gly767Ser (NM_001079821.3, NM_001127461.3); c.2305G>A, p.Gly769Ser (NM_004895.5); c.2150+4134G>A (NM_001127462.3, NM_183395.3); short protein forms G769S, G767S.
Identifiers: ClinVar variation 234299 (VCV000234299.9), dbSNP rs866534904, ClinGen allele CA10577235.

ClinVar aggregate classification (germline): Uncertain significance. Review status: criteria provided, multiple submitters, no conflicts (2 of 4 stars). 4 submissions from 4 submitters: Uncertain significance (4). Last evaluated 2025-11-11.

Conditions:
Cryopyrin associated periodic syndrome (CAPS). Identifiers: Orphanet 208650, MedGen C2316212, MONDO:0016168.
NLRP3-related disorder. Also called: NLRP3-related condition; NLRP3-Related Disorders.
Familial cold autoinflammatory syndrome 1 (FCAS1). Also called: Familial cold inflammatory syndrome 1; CRYOPYRIN-ASSOCIATED PERIODIC SYNDROME 1. Identifiers: Orphanet 47045, MedGen C4551895, MONDO:0007349, OMIM 120100.
Keratitis fugax hereditaria. Also called: KERATOENDOTHELIITIS FUGAX HEREDITARIA. Identifiers: Orphanet 647815, MedGen C1835697, MONDO:0007849, OMIM 148200.
Hearing loss, autosomal dominant 34, with or without inflammation. Also called: DEAFNESS, AUTOSOMAL DOMINANT 34, WITH OR WITHOUT INFLAMMATION. Identifiers: MedGen C4521680, MONDO:0033261, OMIM 617772.
Familial amyloid nephropathy with urticaria AND deafness (MWS). Also called: CRYOPYRIN-ASSOCIATED PERIODIC SYNDROME 2; MUCKLE-WELLS SYNDROME; Urticaria, deafness and amyloidosis; UDA SYNDROME; URTICARIA-DEAFNESS-AMYLOIDOSIS SYNDROME. Identifiers: Orphanet 575, MedGen C0268390, MONDO:0008633, OMIM 191900.
Chronic infantile neurological, cutaneous and articular syndrome (CINCA). Also called: CRYOPYRIN-ASSOCIATED PERIODIC SYNDROME 3; CHRONIC NEUROLOGIC CUTANEOUS AND ARTICULAR SYNDROME; Prieur Griscelli syndrome; CINCA syndrome. Identifiers: Orphanet 1451, MedGen C0409818, MONDO:0011776, OMIM 607115.

Allele frequency attached by ClinVar (database versions not stated): TOPMed below 0.00001; gnomAD 0.00001; gnomAD exomes 0.00001.
gnomAD v4.1: 5 of 1,614,044 alleles (0.00031%); highest among the groups gnomAD compares: Middle Eastern, 0.067%; no homozygotes.

Submissions (4):

PreventionGenetics, part of Exact Sciences
Classification: Uncertain significance for NLRP3-related condition. Last evaluated: 2025-11-11. Review status: criteria provided, single submitter. Criteria: ACMG Guidelines, 2015. Collection method: clinical testing. Allele origin: germline.
Comment: The NLRP3 c.2305G>A variant is predicted to result in the amino acid substitution p.Gly769Ser. Functional in vitro studies showed that p.Gly769Ser variant did not affect protein function, while the other observed variant did affect protein function and therefore p.Gly769Ser was concluded as benign (Louvrier et al. 2019. PubMed ID: 31816408). This variant has not been reported in a large population database (gnomAD), indicating this variant is rare. At this time, the clinical significance of this variant is uncertain due to the absence of conclusive functional and genetic evidence.

Labcorp Genetics (formerly Invitae), Labcorp
Classification: Uncertain significance for Cryopyrin associated periodic syndrome. Last evaluated: 2024-11-03. Review status: criteria provided, single submitter. Criteria: Invitae Variant Classification Sherloc (09022015). Collection method: clinical testing. Allele origin: germline.
Comment: This sequence change replaces glycine, which is neutral and non-polar, with serine, which is neutral and polar, at codon 769 of the NLRP3 protein (p.Gly769Ser). This variant is not present in population databases (gnomAD no frequency). This missense change has been observed in individual(s) with chronic infantile neurological, cutaneous, and articular syndrome (PMID: 31816408). ClinVar contains an entry for this variant (Variation ID: 234299). Invitae Evidence Modeling of protein sequence and biophysical properties (such as structural, functional, and spatial information, amino acid conservation, physicochemical variation, residue mobility, and thermodynamic stability) indicates that this missense variant is not expected to disrupt NLRP3 protein function with a negative predictive value of 95%. Experimental studies have shown that this missense change does not substantially affect NLRP3 function (PMID: 31816408). In summary, the available evidence is currently insufficient to determine the role of this variant in disease. Therefore, it has been classified as a Variant of Uncertain Significance.

Fulgent Genetics
Classification: Uncertain significance for Familial cold autoinflammatory syndrome 1; Keratitis fugax hereditaria; Familial amyloid nephropathy with urticaria AND deafness; Chronic infantile neurological, cutaneous and articular syndrome; Hearing loss, autosomal dominant 34, with or without inflammation. Last evaluated: 2022-05-20. Review status: criteria provided, single submitter. Criteria: ACMG Guidelines, 2015. Collection method: clinical testing. Allele origin: unknown.

GeneDx
Classification: Uncertain significance. Last evaluated: 2012-05-03. Review status: criteria provided, single submitter. Criteria: GeneDx Variant Classification (06012015). Collection method: clinical testing. Allele origin: germline. Affected: yes.
Comment: To our knowledge, the G769S missense substitution in the NLRP3 gene has neither been published as a mutation, nor as a benign polymorphism. This variant represents a non-conservative amino acid substitution as a non-polar Glycine residue is replaced by a polar Serine residue. This substitution occurs in the Leucine-rich repeat domain region of the NLRP3 gene; however, the position where this substitution occurs is not highly conserved among species. In addition, the vast majority of mutations in the NLRP3 gene are located in exon 3 of the gene and affect the NACHT/NBD domain of the protein. Therefore, it is not clear if G769S represents a disease-causing mutation or a rare, benign polymorphism.

Literature cited by the submitters: PubMed 31816408 (cited by Labcorp Genetics (formerly Invitae), Labcorp).